The following is an entry in ClinVar:

NM_052947.4(ALPK2):c.1889G>A (p.Cys630Tyr)

Gene: ALPK2 (alpha kinase 2; minus strand). Cytogenetic location: 18q21.31.
Variant type: single nucleotide variant.
Coding change: c.1889G>A on transcript NM_052947.4 (MANE Select); coding-DNA position 1889, G replaced by A.
Protein change: p.Cys630Tyr; replaces cysteine 630 with tyrosine.
Molecular consequence: missense variant.
Genome position (GRCh38, 1-based): chr18:58,578,887, C>T on the plus strand (G>A on the coding strand, the complement: ALPK2 is on the minus strand). VCF-style: chr18-58578887-C-T. GRCh37 (hg19) VCF-style: chr18-56246119-C-T.
Other names: short protein forms C630Y.
Identifiers: ClinVar variation 1782027 (VCV001782027.2), dbSNP rs1489270952, ClinGen allele CA402559624.

ClinVar aggregate classification (germline): Uncertain significance (1 of 4 stars; one submission).

Allele frequency attached by ClinVar (database versions not stated): TOPMed below 0.00001.
gnomAD v4.1: 1 of 1,614,050 alleles (0.000062%); no homozygotes.

Submission:

Ambry Genetics
Classification: Uncertain significance. Last evaluated: 2021-09-15. Review status: criteria provided, single submitter. Criteria: Ambry Variant Classification Scheme 2023. Collection method: clinical testing. Allele origin: germline.
Comment: The p.C630Y variant (also known as c.1889G>A), located in coding exon 3 of the ALPK2 gene, results from a G to A substitution at nucleotide position 1889. The cysteine at codon 630 is replaced by tyrosine, an amino acid with highly dissimilar properties. This amino acid position is conserved. In addition, this alteration is predicted to be tolerated by in silico analysis. Since supporting evidence is limited at this time, the clinical significance of this alteration remains unclear.